The following is an entry in ClinVar:

ClinVar aggregate classification (germline): Likely benign (1 of 4 stars; one submission).

Allele frequency attached by ClinVar (database versions not stated): ExAC 0.00022; gnomAD 0.00068; 1000 Genomes Project 30x 0.00078; 1000 Genomes Project 0.00080; TOPMed 0.00082; ESP Exome Variant Server 0.00092.
gnomAD v4.1: 216 of 1,607,628 alleles (0.013%); highest among the groups gnomAD compares: African/African-American, 0.26%; no homozygotes.

Submission:

Women's Health and Genetics/Laboratory Corporation of America, LabCorp
Classification: Likely benign. Last evaluated: 2023-11-17. Review status: criteria provided, single submitter. Criteria: LabCorp Variant Classification Summary - May 2015. Collection method: clinical testing. Allele origin: germline.
Comment: Variant summary: CENPE c.627+17A>G alters a non-conserved nucleotide located at a position not widely known to affect splicing. Consensus agreement among computation tools predict no significant impact on normal splicing. However, these predictions have yet to be confirmed by functional studies. The variant allele was found at a frequency of 0.00018 in 248728 control chromosomes. This frequency is not significantly higher than estimated for a pathogenic variant in CENPE causing Microcephaly 13, Primary, Autosomal Recessive, allowing no conclusion about variant significance. To our knowledge, no occurrence of c.627+17A>G in individuals affected with Microcephaly 13, Primary, Autosomal Recessive and no experimental evidence demonstrating its impact on protein function have been reported. No submitters have cited clinical-significance assessments for this variant to ClinVar after 2014. Based on the evidence outlined above, the variant was classified as likely benign.

NM_001813.3(CENPE):c.627+17A>G

Gene: CENPE (centromere protein E; minus strand). Cytogenetic location: 4q24.
Variant type: single nucleotide variant.
Coding change: c.627+17A>G on transcript NM_001813.3 (MANE Select); 17 bases into the intron after coding-DNA position 627, A replaced by G.
Molecular consequence: intron variant.
Genome position (GRCh38, 1-based): chr4:103,194,357, T>C on the plus strand (A>G on the coding strand, the complement: CENPE is on the minus strand). VCF-style: chr4-103194357-T-C. GRCh37 (hg19) VCF-style: chr4-104115514-T-C.
Other names: c.627+17A>G (NM_001286734.2).
Identifiers: ClinVar variation 2682602 (VCV002682602.1), dbSNP rs141704739, ClinGen allele CA3030721.